The following is an entry in ClinVar:

NM_024685.4(BBS10):c.106G>T (p.Val36Phe)

Gene: BBS10 (Bardet-Biedl syndrome 10; minus strand). Cytogenetic location: 12q21.2.
Variant type: single nucleotide variant.
Coding change: c.106G>T on transcript NM_024685.4 (MANE Select); coding-DNA position 106, G replaced by T.
Protein change: p.Val36Phe; replaces valine 36 with phenylalanine.
Molecular consequence: missense variant.
Genome position (GRCh38, 1-based): chr12:76,348,253, C>A on the plus strand (G>T on the coding strand, the complement: BBS10 is on the minus strand). VCF-style: chr12-76348253-C-A. GRCh37 (hg19) VCF-style: chr12-76742033-C-A.
Other names: c.106G>T (NM_024685.3); short protein forms V36F.
Identifiers: ClinVar variation 1025067 (VCV001025067.9), dbSNP rs896544129, ClinGen allele CA239332854.

ClinVar aggregate classification (germline): Uncertain significance. Review status: criteria provided, multiple submitters, no conflicts (2 of 4 stars). 3 submissions from 3 submitters: Uncertain significance (2). 1 of the submissions does not count toward it. Last evaluated 2026-05-15.

Conditions:
BBS10-related disorder. Also called: BBS10-related condition.
Bardet-Biedl syndrome (BBS). Identifiers: Orphanet 110, MedGen C0752166, MONDO:0015229.
Bardet-Biedl syndrome 10 (BBS10). Identifiers: Orphanet 110, MedGen C1859568, MONDO:0014438, OMIM 615987.

Allele frequency attached by ClinVar (database versions not stated): TOPMed 0.00001.
gnomAD v4.1: 7 of 1,613,642 alleles (0.00043%); highest among the groups gnomAD compares: African/African-American, 0.008%; no homozygotes.

Submissions (3):

PreventionGenetics, part of Exact Sciences
Classification: Uncertain significance for BBS10-related condition. Last evaluated: 2026-05-15. Review status: criteria provided, single submitter. Criteria: ACMG Guidelines, 2015. Collection method: clinical testing. Allele origin: germline.
Comment: The BBS10 c.106G>T variant is predicted to result in the amino acid substitution p.Val36Phe. To our knowledge, this variant has not been reported in the literature or in a large population database (gnomAD), indicating this variant is rare. At this time, the clinical significance of this variant is uncertain due to the absence of conclusive functional and genetic evidence.

Labcorp Genetics (formerly Invitae), Labcorp
Classification: Uncertain significance for Bardet-Biedl syndrome. Last evaluated: 2026-01-19. Review status: criteria provided, single submitter. Criteria: Invitae Variant Classification Sherloc (09022015). Collection method: clinical testing. Allele origin: germline.
Comment: This sequence change replaces valine, which is neutral and non-polar, with phenylalanine, which is neutral and non-polar, at codon 36 of the BBS10 protein (p.Val36Phe). This variant is not present in population databases (gnomAD no frequency). This variant has not been reported in the literature in individuals affected with BBS10-related conditions. ClinVar contains an entry for this variant (Variation ID: 1025067). Invitae Evidence Modeling of protein sequence and biophysical properties (such as structural, functional, and spatial information, amino acid conservation, physicochemical variation, residue mobility, and thermodynamic stability) indicates that this missense variant is expected to disrupt BBS10 protein function with a positive predictive value of 80%. In summary, the available evidence is currently insufficient to determine the role of this variant in disease. Therefore, it has been classified as a Variant of Uncertain Significance.

Natera, Inc.
Classification: Uncertain significance for Bardet-Biedl syndrome type 10. Last evaluated: 2021-06-30. Review status: no assertion criteria provided. Collection method: clinical testing. Allele origin: germline. Not counted in ClinVar's aggregate classification.